The following is an entry in ClinVar:

NM_000038.6(APC):c.6359C>T (p.Ala2120Val)

Gene: APC (APC regulator of Wnt signaling pathway; plus strand). Cytogenetic location: 5q22.2.
Variant type: single nucleotide variant.
Coding change: c.6359C>T on transcript NM_000038.6 (MANE Select); coding-DNA position 6359, C replaced by T.
Protein change: p.Ala2120Val; replaces alanine 2120 with valine.
Molecular consequence: missense variant.
Genome position (GRCh38, 1-based): chr5:112,841,953, C>T. VCF-style: chr5-112841953-C-T. GRCh37 (hg19) VCF-style: chr5-112177650-C-T.
Other names: c.6359C>T, p.Ala2120Val (NM_001127510.3, NM_001354895.2); c.6305C>T, p.Ala2102Val (NM_001127511.3); c.6413C>T, p.Ala2138Val (NM_001354896.2); c.6389C>T, p.Ala2130Val (NM_001354897.2); c.6284C>T, p.Ala2095Val (NM_001354898.2); c.6275C>T, p.Ala2092Val (NM_001354899.2); c.6236C>T, p.Ala2079Val (NM_001354900.2); c.6182C>T, p.Ala2061Val (NM_001354901.2); and 5 more; short protein forms A1960V, A2061V, A2092V, A1837V, A1994V, A2019V, A2102V, A2029V.
Identifiers: ClinVar variation 826344 (VCV000826344.22), dbSNP rs1580669989, ClinGen allele CA16035259.

ClinVar aggregate classification (germline): Uncertain significance. Review status: criteria provided, multiple submitters, no conflicts (2 of 4 stars). 4 submissions from 4 submitters: Uncertain significance (4). Last evaluated 2025-03-04.

Conditions:
Hereditary cancer-predisposing syndrome. Also called: Neoplastic Syndromes, Hereditary; Tumor predisposition; Hereditary neoplastic syndrome; Hereditary Cancer Syndrome. Identifiers: Orphanet 140162, MedGen C0027672, MeSH D009386, MONDO:0015356.
Familial adenomatous polyposis 1 (FAP1). Also called: POLYPOSIS, ADENOMATOUS INTESTINAL; FAMILIAL ADENOMATOUS POLYPOSIS 1, ATTENUATED. Identifiers: MedGen C2713442, MONDO:0021056, OMIM 175100. Disease mechanism: loss of function.

Submissions (4):

Center for Genomic Medicine, Rigshospitalet, Copenhagen University Hospital
Classification: Uncertain significance. Last evaluated: 2025-03-04. Review status: criteria provided, single submitter. Criteria: ACMG Guidelines, 2015. Collection method: clinical testing. Allele origin: germline.

Baylor Genetics
Classification: Uncertain significance for Familial adenomatous polyposis 1. Last evaluated: 2023-11-26. Review status: criteria provided, single submitter. Criteria: ACMG Guidelines, 2015. Collection method: clinical testing. Allele origin: unknown.

Ambry Genetics
Classification: Uncertain significance for Hereditary cancer-predisposing syndrome. Last evaluated: 2023-04-20. Review status: criteria provided, single submitter. Criteria: Ambry Variant Classification Scheme 2023. Collection method: clinical testing. Allele origin: germline.
Comment: The p.A2120V variant (also known as c.6359C>T), located in coding exon 15 of the APC gene, results from a C to T substitution at nucleotide position 6359. The alanine at codon 2120 is replaced by valine, an amino acid with similar properties. This amino acid position is highly conserved in available vertebrate species. In addition, in silico predictors for this gene do not accurately predict pathogenicity. Since supporting evidence is limited at this time, the clinical significance of this alteration remains unclear.

Labcorp Genetics (formerly Invitae), Labcorp
Classification: Uncertain significance for Familial adenomatous polyposis 1. Last evaluated: 2022-12-22. Review status: criteria provided, single submitter. Criteria: Invitae Variant Classification Sherloc (09022015). Collection method: clinical testing. Allele origin: germline.
Comment: This sequence change replaces alanine, which is neutral and non-polar, with valine, which is neutral and non-polar, at codon 2120 of the APC protein (p.Ala2120Val). This variant is not present in population databases (gnomAD no frequency). This variant has not been reported in the literature in individuals affected with APC-related conditions. ClinVar contains an entry for this variant (Variation ID: 826344). Advanced modeling of protein sequence and biophysical properties (such as structural, functional, and spatial information, amino acid conservation, physicochemical variation, residue mobility, and thermodynamic stability) performed at Invitae indicates that this missense variant is not expected to disrupt APC protein function. In summary, the available evidence is currently insufficient to determine the role of this variant in disease. Therefore, it has been classified as a Variant of Uncertain Significance.